The following is an entry in ClinVar:

NM_001130144.3(LTBP3):c.-8G>A

Gene: LTBP3 (latent transforming growth factor beta binding protein 3; minus strand). Cytogenetic location: 11q13.1.
Variant type: single nucleotide variant.
Coding change: c.-8G>A on transcript NM_001130144.3 (MANE Select); 8 bases upstream of the start codon, G replaced by A.
Molecular consequence: 5 prime UTR variant.
Genome position (GRCh38, 1-based): chr11:65,557,967, C>T on the plus strand (G>A on the coding strand, the complement: LTBP3 is on the minus strand). VCF-style: chr11-65557967-C-T. GRCh37 (hg19) VCF-style: chr11-65325438-C-T.
Other names: c.-355G>A (NM_001164266.1); c.-8G>A (NM_021070.4).
Identifiers: ClinVar variation 3358503 (VCV003358503.1).

ClinVar aggregate classification (germline): Likely benign (0 of 4 stars; one submission).

Conditions:
LTBP3-related disorder. Also called: LTBP3-related condition.

gnomAD v4.1: 2 of 1,149,578 alleles (0.00017%); highest among the groups gnomAD compares: Non-Finnish European, 0.00021%; no homozygotes.

Submission:

PreventionGenetics, part of Exact Sciences
Classification: Likely benign for LTBP3-related condition. Last evaluated: 2024-05-25. Review status: no assertion criteria provided. Collection method: clinical testing. Allele origin: germline.
Comment: This variant is classified as likely benign based on ACMG/AMP sequence variant interpretation guidelines (Richards et al. 2015 PMID: 25741868, with internal and published modifications).